The following is an entry in ClinVar:

NM_001382344.1(RGPD1):c.33C>T (p.Tyr11=)

Gene: RGPD1 (RANBP2 like and GRIP domain containing 1; plus strand). Cytogenetic location: 2p11.2.
Variant type: single nucleotide variant.
Coding change: c.33C>T on transcript NM_001382344.1 (MANE Select); coding-DNA position 33, C replaced by T.
Protein change: p.Tyr11=; no amino-acid change (tyrosine 11 retained).
Molecular consequence: synonymous variant. On other transcripts: intron variant (2).
Genome position (GRCh38, 1-based): chr2:86,942,269, C>T. VCF-style: chr2-86942269-C-T. GRCh37 (hg19) VCF-style: chr2-87169392-C-T.
Other names: c.73-9027C>T (NM_001410915.1); c.49-9027C>T (NM_001024457.4).
Identifiers: ClinVar variation 2651104 (VCV002651104.24), dbSNP rs558026351, ClinGen allele CA51643443.

ClinVar aggregate classification (germline): Likely benign (1 of 4 stars; one submission).

Allele frequency attached by ClinVar (database versions not stated): 1000 Genomes Project 0.00020; 1000 Genomes Project 30x 0.00031.
gnomAD v4.1: 83 of 1,606,906 alleles (0.0052%); highest among the groups gnomAD compares: Admixed American, 0.037%; no homozygotes.

Submission:

CeGaT Center for Human Genetics Tuebingen
Classification: Likely benign. Last evaluated: 2023-07-01. Review status: criteria provided, single submitter. Criteria: CeGaT Center For Human Genetics Tuebingen Variant Classification Criteria Version 2. Collection method: clinical testing. Allele origin: germline. Affected: yes. Observed: 1 variant allele.
Comment: RGPD1: BP4, BP7